The following is an entry in ClinVar:

ClinVar aggregate classification (germline): Pathogenic/Likely pathogenic. Review status: criteria provided, multiple submitters, no conflicts (2 of 4 stars). 5 submissions from 5 submitters: Pathogenic (2); Likely pathogenic (2). 1 of the submissions does not count toward it. Last evaluated 2025-09-02.

Conditions:
Retinitis pigmentosa 74 (RP74). Identifiers: Orphanet 791, MedGen C4225281, MONDO:0014692, OMIM 616562.
Bardet-Biedl syndrome 2 (BBS2). Identifiers: Orphanet 110, MedGen C2936863, MONDO:0014432, OMIM 615981.
Retinal dystrophy. Also called: Inherited retinal dystrophy. Identifiers: Orphanet 71862, MedGen C0854723, MeSH D058499, MONDO:0019118, HP:0000556.
Bardet-Biedl syndrome (BBS). Identifiers: Orphanet 110, MedGen C0752166, MONDO:0015229.

Allele frequency attached by ClinVar (database versions not stated): gnomAD exomes 0.00001.
gnomAD v4.1: 8 of 1,614,134 alleles (0.0005%); highest among the groups gnomAD compares: South Asian, 0.0022%; no homozygotes.

Submissions (5):

Labcorp Genetics (formerly Invitae), Labcorp
Classification: Pathogenic for Bardet-Biedl syndrome. Last evaluated: 2025-09-02. Review status: criteria provided, single submitter. Criteria: Invitae Variant Classification Sherloc (09022015). Collection method: clinical testing. Allele origin: germline.
Comment: This sequence change replaces arginine, which is basic and polar, with glutamine, which is neutral and polar, at codon 315 of the BBS2 protein (p.Arg315Gln). This variant is not present in population databases (gnomAD no frequency). This missense change has been observed in individual(s) with Bardet-Biedl syndrome and/or retinitis pigmentosa (PMID: 11567139, 12677556, 33777945, 33921607). In at least one individual the data is consistent with being in trans (on the opposite chromosome) from a pathogenic variant. ClinVar contains an entry for this variant (Variation ID: 555022). Invitae Evidence Modeling of protein sequence and biophysical properties (such as structural, functional, and spatial information, amino acid conservation, physicochemical variation, residue mobility, and thermodynamic stability) indicates that this missense variant is not expected to disrupt BBS2 protein function with a negative predictive value of 80%. Experimental studies have shown that this missense change affects BBS2 function (PMID: 20498079). Algorithms developed to predict the effect of sequence changes on RNA splicing suggest that this variant may create or strengthen a splice site. This variant disrupts the p.Arg315 amino acid residue in BBS2. Other variant(s) that disrupt this residue have been determined to be pathogenic (PMID: 11567139, 27894351). This suggests that this residue is clinically significant, and that variants that disrupt this residue are likely to be disease-causing. For these reasons, this variant has been classified as Pathogenic.

Women's Health and Genetics/Laboratory Corporation of America, LabCorp
Classification: Pathogenic for Bardet-Biedl syndrome. Last evaluated: 2025-07-10. Review status: criteria provided, single submitter. Criteria: LabCorp Variant Classification Summary - May 2015. Collection method: clinical testing. Allele origin: germline.
Comment: Variant summary: BBS2 c.944G>A (p.Arg315Gln) results in a conservative amino acid change in the encoded protein sequence. Algorithms developed to predict the effect of missense changes on protein structure and function are either unavailable or do not agree on the potential impact of this missense change. The variant was absent in 251330 control chromosomes. c.944G>A has been observed in multiple individuals affected with Bardet-Biedl Syndrome (Katsanis_2001, Beales_2003, Meng_2021, Aze_2021, Milibari_2024). These data indicate that the variant is very likely to be associated with disease. A different variant affecting the same codon has been classified as likely pathogenic/pathogenic by our lab (c.943C>T, p.Arg315Trp), supporting the critical relevance of codon 315 to BBS2 protein function. To our knowledge, no experimental evidence demonstrating an impact on protein function has been reported. The following publications have been ascertained in the context of this evaluation (PMID: 33921607, 12677556, 11567139, 33777945, 38927698). ClinVar contains an entry for this variant (Variation ID: 555022). Based on the evidence outlined above, the variant was classified as pathogenic.

Fulgent Genetics
Classification: Likely pathogenic for Bardet-Biedl syndrome 2; Retinitis pigmentosa 74. Last evaluated: 2024-06-14. Review status: criteria provided, single submitter. Criteria: ACMG Guidelines, 2015. Collection method: clinical testing. Allele origin: germline.

Dept Of Ophthalmology, Nagoya University
Classification: Likely pathogenic for Retinal dystrophy. Last evaluated: 2023-10-01. Review status: criteria provided, single submitter. Criteria: Submitter's publication. Collection method: research. Allele origin: germline. Affected: yes.

Counsyl
Classification: Uncertain significance for Bardet-Biedl syndrome 2. Last evaluated: 2017-11-15. Review status: no assertion criteria provided. Collection method: clinical testing. Allele origin: unknown. Not counted in ClinVar's aggregate classification.

Literature cited by the submitters: PubMed 11567139 (cited by 3 submitters); PubMed 12677556 (cited by Labcorp Genetics (formerly Invitae), Labcorp and Women's Health and Genetics/Laboratory Corporation of America, LabCorp); PubMed 33777945 (cited by Labcorp Genetics (formerly Invitae), Labcorp and Women's Health and Genetics/Laboratory Corporation of America, LabCorp); PubMed 33921607 (cited by Labcorp Genetics (formerly Invitae), Labcorp and Women's Health and Genetics/Laboratory Corporation of America, LabCorp); PubMed 20498079 (cited by Labcorp Genetics (formerly Invitae), Labcorp and Counsyl); PubMed 27894351 (cited by Labcorp Genetics (formerly Invitae), Labcorp); PubMed 38927698 (cited by Women's Health and Genetics/Laboratory Corporation of America, LabCorp).

NM_031885.5(BBS2):c.944G>A (p.Arg315Gln)

Gene: BBS2 (Bardet-Biedl syndrome 2; minus strand). Cytogenetic location: 16q13.
Variant type: single nucleotide variant.
Coding change: c.944G>A on transcript NM_031885.5 (MANE Select); coding-DNA position 944, G replaced by A.
Protein change: p.Arg315Gln; replaces arginine 315 with glutamine.
Molecular consequence: missense variant. On other transcripts: non-coding transcript variant (5).
Genome position (GRCh38, 1-based): chr16:56,502,453, C>T on the plus strand (G>A on the coding strand, the complement: BBS2 is on the minus strand). VCF-style: chr16-56502453-C-T. GRCh37 (hg19) VCF-style: chr16-56536365-C-T.
Other names: c.944G>A, p.Arg315Gln (NM_001377456.1); short protein forms R315Q.
Identifiers: ClinVar variation 555022 (VCV000555022.9), dbSNP rs544773389, ClinGen allele CA281481247.
Genomic context (GRCh38, chr16:56,502,453, plus strand): 5'-TGCTCTGCACTGGTGTCCATGAGGTTGCCCCTCATCTCAGCCGTGCCAGGCAGGTAGCCC[C>T]GGACTGAACAGAAGGAAAAAACCGCAAGTATAACCAGGTATACTTTTAGGTCATCAATTA-3'
Protein context (NP_114091.4, residues 305-325): LICCSVDGEI[Arg315Gln]GYLPGTAEMR